The following is an entry in ClinVar:

NM_002693.3(POLG):c.3276T>G (p.Phe1092Leu)

Gene: POLG (DNA polymerase gamma, catalytic subunit; minus strand). Cytogenetic location: 15q26.1.
Variant type: single nucleotide variant.
Coding change: c.3276T>G on transcript NM_002693.3 (MANE Select); coding-DNA position 3276, T replaced by G.
Protein change: p.Phe1092Leu; replaces phenylalanine 1092 with leucine.
Molecular consequence: missense variant.
Genome position (GRCh38, 1-based): chr15:89,318,747, A>C on the plus strand (T>G on the coding strand, the complement: POLG is on the minus strand). VCF-style: chr15-89318747-A-C. GRCh37 (hg19) VCF-style: chr15-89861978-A-C.
Other names: c.3276T>G, p.Phe1092Leu (NM_001126131.2); short protein forms F1092L.
Identifiers: ClinVar variation 1393775 (VCV001393775.5), dbSNP rs74034411, ClinGen allele CA274541181.

ClinVar aggregate classification (germline): Uncertain significance (1 of 4 stars; one submission).

Conditions:
Progressive sclerosing poliodystrophy (MTDPS4A). Also called: Mitochondrial DNA depletion syndrome 4A (Alpers type); ALPERS PROGRESSIVE INFANTILE POLIODYSTROPHY; NEURONAL DEGENERATION OF CHILDHOOD WITH LIVER DISEASE, PROGRESSIVE; Mitochondrial DNA Depletion Syndrome 4A; Alpers-Huttenlocher Syndrome (AHS); Alpers Syndrome. Identifiers: Orphanet 726, MedGen C0205710, MONDO:0008758, OMIM 203700.

Allele frequency attached by ClinVar (database versions not stated): gnomAD 0.00001; TOPMed 0.00003; 1000 Genomes Project 0.00020; 1000 Genomes Project 30x 0.00031.
gnomAD v4.1: 5 of 1,613,760 alleles (0.00031%); highest among the groups gnomAD compares: African/African-American, 0.0053%; no homozygotes.

Submission:

Labcorp Genetics (formerly Invitae), Labcorp
Classification: Uncertain significance for Progressive sclerosing poliodystrophy. Last evaluated: 2024-12-11. Review status: criteria provided, single submitter. Criteria: Invitae Variant Classification Sherloc (09022015). Collection method: clinical testing. Allele origin: germline.
Comment: This sequence change replaces phenylalanine, which is neutral and non-polar, with leucine, which is neutral and non-polar, at codon 1092 of the POLG protein (p.Phe1092Leu). This variant is present in population databases (rs74034411, gnomAD 0.01%). This variant has not been reported in the literature in individuals affected with POLG-related conditions. ClinVar contains an entry for this variant (Variation ID: 1393775). An algorithm developed to predict the effect of missense changes on protein structure and function (PolyPhen-2) suggests that this variant is likely to be disruptive. In summary, the available evidence is currently insufficient to determine the role of this variant in disease. Therefore, it has been classified as a Variant of Uncertain Significance.